The following is an entry in ClinVar:

ClinVar aggregate classification (germline): Uncertain significance (1 of 4 stars; one submission).

Conditions:
Charcot-Marie-Tooth disease axonal type 2P. Also called: CHARCOT-MARIE-TOOTH DISEASE, AXONAL, TYPE 2G; CMT 2G; CHARCOT-MARIE-TOOTH NEUROPATHY, TYPE 2P; Charcot-Marie-Tooth Neuropathy Type 2G. Identifiers: Orphanet 300319, Orphanet 99941, MedGen C3280797, MONDO:0013753, OMIM 614436.

Allele frequency attached by ClinVar (database versions not stated): gnomAD 0.00001; TOPMed 0.00001.
gnomAD v4.1: 2 of 1,614,032 alleles (0.00012%); highest among the groups gnomAD compares: Non-Finnish European, 0.000085%; no homozygotes.

Submission:

Labcorp Genetics (formerly Invitae), Labcorp
Classification: Uncertain significance for Charcot-Marie-Tooth disease axonal type 2P. Last evaluated: 2025-10-08. Review status: criteria provided, single submitter. Criteria: Invitae Variant Classification Sherloc (09022015). Collection method: clinical testing. Allele origin: germline.
Comment: This sequence change replaces asparagine, which is neutral and polar, with serine, which is neutral and polar, at codon 346 of the LRSAM1 protein (p.Asn346Ser). This variant is present in population databases (no rsID available, gnomAD 0.007%). This variant has not been reported in the literature in individuals affected with LRSAM1-related conditions. ClinVar contains an entry for this variant (Variation ID: 641601). Invitae Evidence Modeling of protein sequence and biophysical properties (such as structural, functional, and spatial information, amino acid conservation, physicochemical variation, residue mobility, and thermodynamic stability) indicates that this missense variant is not expected to disrupt LRSAM1 protein function with a negative predictive value of 80%. In summary, the available evidence is currently insufficient to determine the role of this variant in disease. Therefore, it has been classified as a Variant of Uncertain Significance.

NM_001005373.4(LRSAM1):c.1037A>G (p.Asn346Ser)

Gene: LRSAM1 (leucine rich repeat and sterile alpha motif containing 1; plus strand). Cytogenetic location: 9q33.3.
Variant type: single nucleotide variant.
Coding change: c.1037A>G on transcript NM_001005373.4 (MANE Select); coding-DNA position 1037, A replaced by G.
Protein change: p.Asn346Ser; replaces asparagine 346 with serine.
Molecular consequence: missense variant. On other transcripts: non-coding transcript variant (2).
Genome position (GRCh38, 1-based): chr9:127,479,972, A>G. VCF-style: chr9-127479972-A-G. GRCh37 (hg19) VCF-style: chr9-130242251-A-G.
Other names: c.1037A>G, p.Asn346Ser (NM_001005374.4, NM_001190723.3, NM_001384142.1 and 2 more transcripts); c.248A>G, p.Asn83Ser (NM_001384144.1); short protein forms N346S, N83S.
Identifiers: ClinVar variation 641601 (VCV000641601.8), dbSNP rs1188237904, ClinGen allele CA374931644.
Genomic context (GRCh38, chr9:127,479,972, plus strand): 5'-AGCAGCTGAAGCAGACGGAACAGAACATTTCCAGCCGGATCCAGAAGCTGCTGCAGGACA[A>G]TCAGAGGTTGGGCTCTGCTCCTCGGCCCCAGCCCCAGAGTCCTTCCCCGTGCAGTCCCCT-3'
Protein context (NP_001005373.1, residues 336-356): SSRIQKLLQD[Asn346Ser]QRQKKSSEIL